The following is an entry in ClinVar:

NM_005499.3(UBA2):c.52_58del (p.Gly18fs)

Genes: UBA2 (ubiquitin like modifier activating enzyme 2; plus strand), LOC130064190 (ATAC-STARR-seq lymphoblastoid silent region 10502; plus strand). Cytogenetic location: 19q13.11.
Variant type: Microsatellite.
Coding change: c.52_58del on transcript NM_005499.3 (MANE Select); coding-DNA positions 52 to 58, 7 bases deleted (GGCCGGG; older notation c.52_58delGGCCGGG).
Protein change: p.Gly18fs; shifts the reading frame from glycine 18.
Molecular consequence: frameshift variant. On other transcripts: 5 prime UTR variant (1).
Genome position (GRCh38, 1-based): chr19:34,428,484-34,428,490, GGCCGGG deleted; deleting any 7 consecutive bases within chr19:34,428,477-34,428,490 gives the same sequence; the c. name uses the placement nearest the transcript's 3' end. VCF-style (leftmost placement, unchanged base first): chr19-34428476-TGGCCGGG-T. GRCh37 (hg19) VCF-style: chr19-34919381-TGGCCGGG-T.
Other names: c.-338GGCCGGG[1] (NM_001411139.1); short protein forms G18fs.
Identifiers: ClinVar variation 2516307 (VCV002516307.2), dbSNP rs1555725969, ClinGen allele CA2580613102.
Genomic context (GRCh38, chr19:34,428,476, plus strand): 5'-CTCGTGGTTGTCCCGCCATGGCACTGTCGCGGGGGCTGCCCCGGGAGCTGGCTGAGGCGG[TGGCCGGG>T]GGCCGGGTGCTGGTGGTGGGGGCGGGCGGCATCGGCTGCGAGCTCCTCAAGAATCTCGTG-3'

ClinVar aggregate classification (germline): Likely pathogenic (1 of 4 stars; one submission).

Conditions:
Inborn genetic diseases. Identifiers: MedGen C0950123, MeSH D030342.

Submission:

Ambry Genetics
Classification: Likely pathogenic for Inborn genetic diseases. Last evaluated: 2023-04-03. Review status: criteria provided, single submitter. Criteria: Ambry Variant Classification Scheme 2023. Collection method: clinical testing. Allele origin: germline.
Comment: The c.52_58delGGCCGGG (p.G18Cfs*27) alteration, located in exon 1 (coding exon 1) of the UBA2 gene, consists of a deletion of 7 nucleotides from position 52 to 58, causing a translational frameshift with a predicted alternate stop codon after 27 amino acids. The predicted stop codon occurs in the 5' end of the UBA2 gene. Premature termination codons in the 5&rsquo; end of a gene have been reported to escape nonsense-mediated mRNA decay and/or lead to re-initiation (Rivas, 2015; Lindeboom, 2016; Rhee, 2017). Direct evidence for this alteration is unavailable; however, premature termination codons are typically deleterious in nature. This variant was not reported in population-based cohorts in the Genome Aggregation Database (gnomAD). Based on the available evidence, this alteration is classified as likely pathogenic.

Literature cited by the submitters: PubMed 25954003; PubMed 27618451; PubMed 28490743.